The following is an entry in ClinVar:

NM_006766.5(KAT6A):c.5795T>C (p.Met1932Thr)

Gene: KAT6A (lysine acetyltransferase 6A; minus strand). Cytogenetic location: 8p11.21.
Variant type: single nucleotide variant.
Coding change: c.5795T>C on transcript NM_006766.5 (MANE Select); coding-DNA position 5795, T replaced by C.
Protein change: p.Met1932Thr; replaces methionine 1932 with threonine.
Molecular consequence: missense variant.
Genome position (GRCh38, 1-based): chr8:41,932,425, A>G on the plus strand (T>C on the coding strand, the complement: KAT6A is on the minus strand). VCF-style: chr8-41932425-A-G. GRCh37 (hg19) VCF-style: chr8-41789943-A-G.
Other names: short protein forms M1932T.
Identifiers: ClinVar variation 3342305 (VCV003342305.1).

ClinVar aggregate classification (germline): Likely pathogenic (1 of 4 stars; one submission).

Submission:

GeneDx
Classification: Likely pathogenic. Last evaluated: 2024-03-21. Review status: criteria provided, single submitter. Criteria: GeneDx Variant Classification Process June 2021. Collection method: clinical testing. Allele origin: germline. Affected: yes.
Comment: Not observed at significant frequency in large population cohorts (gnomAD); In silico analysis supports that this missense variant has a deleterious effect on protein structure/function; Has not been previously published as pathogenic or benign to our knowledge